The following is an entry in ClinVar:

NM_004186.5(SEMA3F):c.1993C>T (p.Leu665Phe)

Gene: SEMA3F (semaphorin 3F; plus strand). Cytogenetic location: 3p21.31.
Variant type: single nucleotide variant.
Coding change: c.1993C>T on transcript NM_004186.5 (MANE Select); coding-DNA position 1993, C replaced by T.
Protein change: p.Leu665Phe; replaces leucine 665 with phenylalanine.
Molecular consequence: missense variant.
Genome position (GRCh38, 1-based): chr3:50,187,750, C>T. VCF-style: chr3-50187750-C-T. GRCh37 (hg19) VCF-style: chr3-50225183-C-T.
Other names: c.1696C>T, p.Leu566Phe (NM_001318798.2); c.1900C>T, p.Leu634Phe (NM_001318800.2); short protein forms L566F, L634F, L665F.
Identifiers: ClinVar variation 3348336 (VCV003348336.1).

ClinVar aggregate classification (germline): Uncertain significance (0 of 4 stars; one submission).

Conditions:
SEMA3F-related disorder. Also called: SEMA3F-related condition.

gnomAD v4.1: 12 of 1,612,232 alleles (0.00074%); highest among the groups gnomAD compares: African/African-American, 0.015%; no homozygotes.

Submission:

PreventionGenetics, part of Exact Sciences
Classification: Uncertain significance for SEMA3F-related condition. Last evaluated: 2023-12-07. Review status: no assertion criteria provided. Collection method: clinical testing. Allele origin: germline.
Comment: The SEMA3F c.1993C>T variant is predicted to result in the amino acid substitution p.Leu665Phe. To our knowledge, this variant has not been reported in the literature. This variant is reported in 0.012% of alleles in individuals of African descent in gnomAD. At this time, the clinical significance of this variant is uncertain due to the absence of conclusive functional and genetic evidence.